The following is an entry in ClinVar:

ClinVar aggregate classification (germline): Uncertain significance. Review status: criteria provided, multiple submitters, no conflicts (2 of 4 stars). 2 submissions from 2 submitters: Uncertain significance (2). Last evaluated 2023-08-04.

Conditions:
Inborn genetic diseases. Identifiers: MedGen C0950123, MeSH D030342.
Mowat-Wilson syndrome (MOWS). Also called: Classic Mowat-Wilson Syndrome. Identifiers: Orphanet 2152, MedGen C1856113, MONDO:0009341, OMIM 235730.

Submissions (2):

Labcorp Genetics (formerly Invitae), Labcorp
Classification: Uncertain significance for Mowat-Wilson syndrome. Last evaluated: 2023-08-04. Review status: criteria provided, single submitter. Criteria: Invitae Variant Classification Sherloc (09022015). Collection method: clinical testing. Allele origin: germline.
Comment: In summary, the available evidence is currently insufficient to determine the role of this variant in disease. Therefore, it has been classified as a Variant of Uncertain Significance. Advanced modeling of protein sequence and biophysical properties (such as structural, functional, and spatial information, amino acid conservation, physicochemical variation, residue mobility, and thermodynamic stability) performed at Invitae indicates that this missense variant is not expected to disrupt ZEB2 protein function. ClinVar contains an entry for this variant (Variation ID: 1796351). This variant has not been reported in the literature in individuals affected with ZEB2-related conditions. This variant is not present in population databases (gnomAD no frequency). This sequence change replaces threonine, which is neutral and polar, with serine, which is neutral and polar, at codon 938 of the ZEB2 protein (p.Thr938Ser).

Ambry Genetics
Classification: Uncertain significance for Inborn genetic diseases. Last evaluated: 2019-05-31. Review status: criteria provided, single submitter. Criteria: Ambry Variant Classification Scheme 2023. Collection method: clinical testing. Allele origin: germline.
Comment: The p.T938S variant (also known as c.2813C>G), located in coding exon 7 of the ZEB2 gene, results from a C to G substitution at nucleotide position 2813. The threonine at codon 938 is replaced by serine, an amino acid with similar properties. This amino acid position is highly conserved in available vertebrate species. In addition, this alteration is predicted to be tolerated by in silico analysis. Since supporting evidence is limited at this time, the clinical significance of this alteration remains unclear.

NM_014795.4(ZEB2):c.2813C>G (p.Thr938Ser)

Gene: ZEB2 (zinc finger E-box binding homeobox 2; minus strand). Cytogenetic location: 2q22.3.
Variant type: single nucleotide variant.
Coding change: c.2813C>G on transcript NM_014795.4 (MANE Select); coding-DNA position 2813, C replaced by G.
Protein change: p.Thr938Ser; replaces threonine 938 with serine.
Molecular consequence: missense variant.
Genome position (GRCh38, 1-based): chr2:144,398,374, G>C on the plus strand (C>G on the coding strand, the complement: ZEB2 is on the minus strand). VCF-style: chr2-144398374-G-C. GRCh37 (hg19) VCF-style: chr2-145155941-G-C.
Other names: c.2741C>G, p.Thr914Ser (NM_001171653.2); short protein forms T938S, T914S.
Identifiers: ClinVar variation 1796351 (VCV001796351.5), dbSNP rs1703258155, ClinGen allele CA348706806.